The following is an entry in ClinVar:

NM_000553.6(WRN):c.2234A>G (p.Asn745Ser)

Gene: WRN (WRN RecQ like helicase; plus strand). Cytogenetic location: 8p12.
Variant type: single nucleotide variant.
Coding change: c.2234A>G on transcript NM_000553.6 (MANE Select); coding-DNA position 2234, A replaced by G.
Protein change: p.Asn745Ser; replaces asparagine 745 with serine.
Molecular consequence: missense variant.
Genome position (GRCh38, 1-based): chr8:31,111,760, A>G. VCF-style: chr8-31111760-A-G. GRCh37 (hg19) VCF-style: chr8-30969276-A-G.
Other names: short protein forms N745S.
Identifiers: ClinVar variation 2956144 (VCV002956144.3), dbSNP rs753878041, ClinGen allele CA370912856.

ClinVar aggregate classification (germline): Uncertain significance (1 of 4 stars; one submission).

Conditions:
Werner syndrome (WRN). Identifiers: Orphanet 902, MedGen C0043119, MONDO:0010196, OMIM 277700.

gnomAD v4.1: 1 of 1,614,062 alleles (0.000062%); no homozygotes.

Submission:

Labcorp Genetics (formerly Invitae), Labcorp
Classification: Uncertain significance for Werner syndrome. Last evaluated: 2023-06-09. Review status: criteria provided, single submitter. Criteria: Invitae Variant Classification Sherloc (09022015). Collection method: clinical testing. Allele origin: germline.
Comment: In summary, the available evidence is currently insufficient to determine the role of this variant in disease. Therefore, it has been classified as a Variant of Uncertain Significance. Algorithms developed to predict the effect of missense changes on protein structure and function output the following: SIFT: "Not Available"; PolyPhen-2: "Benign"; Align-GVGD: "Not Available". The serine amino acid residue is found in multiple mammalian species, which suggests that this missense change does not adversely affect protein function. This variant has not been reported in the literature in individuals affected with WRN-related conditions. This variant is not present in population databases (gnomAD no frequency). This sequence change replaces asparagine, which is neutral and polar, with serine, which is neutral and polar, at codon 745 of the WRN protein (p.Asn745Ser).